The following is an entry in ClinVar:

ClinVar aggregate classification (germline): Uncertain significance. Review status: criteria provided, multiple submitters, no conflicts (2 of 4 stars). 2 submissions from 2 submitters: Uncertain significance (2). Last evaluated 2025-05-19.

Conditions:
Inborn genetic diseases. Identifiers: MedGen C0950123, MeSH D030342.
Spastic paraplegia. Identifiers: MedGen C0037772, HP:0001258.

Allele frequency attached by ClinVar (database versions not stated): TOPMed 0.00003; ExAC 0.00009; gnomAD 0.00004.
gnomAD v4.1: 71 of 1,613,912 alleles (0.0044%); highest among the groups gnomAD compares: South Asian, 0.029%; 1 homozygote.

Submissions (2):

Ambry Genetics
Classification: Uncertain significance for Inborn genetic diseases. Last evaluated: 2025-05-19. Review status: criteria provided, single submitter. Criteria: Ambry Variant Classification Scheme 2023. Collection method: clinical testing. Allele origin: germline.

Labcorp Genetics (formerly Invitae), Labcorp
Classification: Uncertain significance for Spastic paraplegia. Last evaluated: 2024-01-02. Review status: criteria provided, single submitter. Criteria: Invitae Variant Classification Sherloc (09022015). Collection method: clinical testing. Allele origin: germline.
Comment: This sequence change replaces isoleucine, which is neutral and non-polar, with leucine, which is neutral and non-polar, at codon 914 of the AP4E1 protein (p.Ile914Leu). This variant is present in population databases (rs755478140, gnomAD 0.02%). This variant has not been reported in the literature in individuals affected with AP4E1-related conditions. ClinVar contains an entry for this variant (Variation ID: 1438703). Algorithms developed to predict the effect of missense changes on protein structure and function output the following: SIFT: "Not Available"; PolyPhen-2: "Benign"; Align-GVGD: "Not Available". The leucine amino acid residue is found in multiple mammalian species, which suggests that this missense change does not adversely affect protein function. In summary, the available evidence is currently insufficient to determine the role of this variant in disease. Therefore, it has been classified as a Variant of Uncertain Significance.

NM_007347.5(AP4E1):c.2740A>C (p.Ile914Leu)

Gene: AP4E1 (adaptor related protein complex 4 subunit epsilon 1; plus strand). Cytogenetic location: 15q21.2.
Variant type: single nucleotide variant.
Coding change: c.2740A>C on transcript NM_007347.5 (MANE Select); coding-DNA position 2740, A replaced by C.
Protein change: p.Ile914Leu; replaces isoleucine 914 with leucine.
Molecular consequence: missense variant.
Genome position (GRCh38, 1-based): chr15:50,997,719, A>C. VCF-style: chr15-50997719-A-C. GRCh37 (hg19) VCF-style: chr15-51289916-A-C.
Other names: c.2515A>C, p.Ile839Leu (NM_001252127.2); c.2740A>C (NM_007347.3); short protein forms I914L, I839L.
Identifiers: ClinVar variation 1438703 (VCV001438703.8), dbSNP rs755478140, ClinGen allele CA7559365.